The following is an entry in ClinVar:

NM_017841.4(SDHAF2):c.446_447del (p.Lys149fs)

Gene: SDHAF2 (succinate dehydrogenase complex assembly factor 2; plus strand). Cytogenetic location: 11q12.2.
Variant type: Deletion.
Coding change: c.446_447del on transcript NM_017841.4 (MANE Select); coding-DNA positions 446 to 447, 2 bases deleted (AA; older notation c.446_447delAA).
Protein change: p.Lys149fs; shifts the reading frame from lysine 149.
Molecular consequence: frameshift variant.
Genome position (GRCh38, 1-based): chr11:61,446,016-61,446,017, AA deleted; deleting any 2 consecutive bases within chr11:61,446,015-61,446,017 gives the same sequence; the c. name uses the placement nearest the transcript's 3' end. VCF-style (leftmost placement, unchanged base first): chr11-61446014-CAA-C. GRCh37 (hg19) VCF-style: chr11-61213486-CAA-C.
Other names: c.446_447delAA (NM_017841.2); short protein forms K149fs.
Identifiers: ClinVar variation 403424 (VCV000403424.25), dbSNP rs772219112, ClinGen allele CA059347.

ClinVar aggregate classification (germline): Conflicting classifications of pathogenicity. Review status: criteria provided, conflicting classifications (1 of 4 stars). 9 submissions from 9 submitters: Likely pathogenic (1); Uncertain significance (8). Last evaluated 2026-01-25.

Conditions:
Pheochromocytoma/paraganglioma syndrome 2. Also called: SDHAF2-Related Hereditary Paraganglioma-Pheochromocytoma Syndrome; SDHAF2-Related Hereditary Paraganglioma-Pheochromocytoma Syndrome (Paragangliomas 2); GLOMUS TUMORS, FAMILIAL, 2; Paragangliomas 2. Identifiers: Orphanet 29072, MedGen C1866552, MONDO:0011121, OMIM 601650.
Hereditary cancer-predisposing syndrome. Also called: Hereditary neoplastic syndrome; Tumor predisposition; Hereditary Cancer Syndrome; Neoplastic Syndromes, Hereditary. Identifiers: Orphanet 140162, MedGen C0027672, MeSH D009386, MONDO:0015356.
Hereditary pheochromocytoma and paraganglioma. Also called: Hereditary pheochromocytoma-paraganglioma; Hereditary paragangliomas and pheochromocytomas; Hereditary Paraganglioma-Pheochromocytoma Syndromes. Identifiers: Orphanet 29072, MedGen C4274332, MONDO:0017366.

Submissions (9):

Labcorp Genetics (formerly Invitae), Labcorp
Classification: Uncertain significance for Hereditary pheochromocytoma and paraganglioma. Last evaluated: 2026-01-25. Review status: criteria provided, single submitter. Criteria: Invitae Variant Classification Sherloc (09022015). Collection method: clinical testing. Allele origin: germline.
Comment: This sequence change creates a premature translational stop signal (p.Lys149Argfs*10) in the SDHAF2 gene. While this is not anticipated to result in nonsense mediated decay, it is expected to disrupt the last 18 amino acid(s) of the SDHAF2 protein. This variant is present in population databases (rs772219112, gnomAD 0.002%). This variant has not been reported in the literature in individuals affected with SDHAF2-related conditions. ClinVar contains an entry for this variant (Variation ID: 403424). Experimental studies and prediction algorithms are not available or were not evaluated, and the functional significance of this variant is currently unknown. RNA analysis performed to evaluate the impact of this premature translational stop signal on mRNA splicing indicates it does not significantly alter splicing (internal data). In summary, the available evidence is currently insufficient to determine the role of this variant in disease. Therefore, it has been classified as a Variant of Uncertain Significance.

Myriad Genetics, Inc.
Classification: Likely pathogenic for Pheochromocytoma/paraganglioma syndrome 2. Last evaluated: 2026-01-23. Review status: criteria provided, single submitter. Criteria: Myriad Autosomal Dominant, Autosomal Recessive and X-Linked Classification Criteria (2023). Collection method: clinical testing. Allele origin: unknown.
Comment: This variant is considered likely pathogenic. This variant creates a frameshift predicted to result in premature protein truncation.

Ambry Genetics
Classification: Uncertain significance for Hereditary cancer-predisposing syndrome. Last evaluated: 2025-10-24. Review status: criteria provided, single submitter. Criteria: Ambry Variant Classification Scheme 2023. Collection method: clinical testing. Allele origin: germline.
Comment: The c.446_447delAA variant, located in coding exon 4 of the SDHAF2 gene, results from a deletion of two nucleotides at nucleotide positions 446 to 447, causing a translational frameshift with a predicted alternate stop codon (p.K149Rfs*10). This alteration occurs at the 3' terminus of SDHAF2, is not expected to trigger nonsense-mediated mRNA decay, and only impacts the last 10.8% of the protein. The exact functional effect of this alteration is unknown. Based on the available evidence, the clinical significance of this variant remains unclear.

Color Diagnostics, LLC DBA Color Health
Classification: Uncertain significance for Hereditary pheochromocytoma and paraganglioma. Last evaluated: 2025-06-23. Review status: criteria provided, single submitter. Criteria: ACMG Guidelines, 2015. Collection method: clinical testing. Allele origin: germline.
Comment: This variant deletes 2 nucleotides in exon 4 of the SDHAF2 gene, creating a frameshift and a premature translation stop signal in the last coding exon. This mutant transcript is predicted to escape nonsense-mediated decay and be expressed as a truncated protein, impacting the last 18 amino acids of SDHAF2. To our knowledge, functional studies have not been reported for this variant. This variant has not been reported in individuals affected with SDHAF2-related disorders in the literature. This variant has been identified in 2/251476 chromosomes in the general population by the Genome Aggregation Database (gnomAD). The available evidence is insufficient to determine the role of this variant in disease conclusively. Therefore, this variant is classified as a Variant of Uncertain Significance.

Dasa
Classification: Uncertain significance. Last evaluated: 2025-01-13. Review status: criteria provided, single submitter. Criteria: DASA Assertion Criteria. Collection method: clinical testing. Allele origin: germline.
Comment: NM_017841.4(SDHAF2):c.446_447del (p.Lys149Argfs*10) is a frameshift variant in SDHAF2 predicted to alter the reading frame and introduce a premature termination codon and is predicted to result in an absent or altered protein product. This variant is rare in population databases. The currently available literature and clinical evidence are not sufficient to establish a definitive association between this variant and the reported condition. Therefore, this variant is classified as a variant of uncertain significance.

GeneDx
Classification: Uncertain significance. Last evaluated: 2024-07-01. Review status: criteria provided, single submitter. Criteria: GeneDx Variant Classification Process June 2021. Collection method: clinical testing. Allele origin: germline. Affected: yes.
Comment: Frameshift variant predicted to result in abnormal protein length as the last 18 amino acids are replaced with 9 different amino acids; Not observed at significant frequency in large population cohorts (gnomAD); Identified in an individual with congenital heart disease (PMID: 33084842); This variant is associated with the following publications: (PMID: 33084842)

All of Us Research Program, National Institutes of Health
Classification: Uncertain significance for Hereditary pheochromocytoma and paraganglioma. Last evaluated: 2023-05-04. Review status: criteria provided, single submitter. Criteria: ACMG Guidelines, 2015. Collection method: clinical testing. Allele origin: germline. Inheritance: Autosomal dominant inheritance. Observed: 1 variant allele, 1 heterozygote.
Comment: This variant deletes 2 nucleotides in exon 4 of the SDHAF2 gene, creating a frameshift and a premature translation stop signal in the last coding exon. This mutant transcript is predicted to escape nonsense-mediated decay and be expressed as a truncated protein, impacting the last 18 amino acids of SDHAF2. To our knowledge, experimental functional studies have not been reported for this variant, and it has not been reported in individuals affected with SDHAF2-related disorders in the literature. This variant has been identified in 2/251476 chromosomes in the general population by the Genome Aggregation Database (gnomAD). The available evidence is insufficient to determine the role of this variant in disease conclusively. Therefore, this variant is classified as a Variant of Uncertain Significance.

This study involves interpretation of variants in research participants for the purpose of population health screening. Participant phenotype was not available at the time of variant classification. Additional details can be found in publication PMID: 35346344, PMCID: PMC8962531

Quest Diagnostics Nichols Institute San Juan Capistrano
Classification: Uncertain significance. Last evaluated: 2021-07-21. Review status: criteria provided, single submitter. Criteria: Quest Diagnostics criteria. Collection method: clinical testing. Allele origin: unknown.

Laboratory for Molecular Medicine, Mass General Brigham Personalized Medicine
Classification: Uncertain significance. Last evaluated: 2017-03-01. Review status: criteria provided, single submitter. Criteria: LMM Criteria. Collection method: clinical testing. Allele origin: germline.
Comment: Variant identified in a genome or exome case(s) and assessed due to predicted null impact of the variant or pathogenic assertions in the literature or databases. Disclaimer: This variant has not undergone full assessment. The following are preliminary notes: The p.Lys149Argfs variant in SDHAF2 has not been previously reported, but has been identified in 1/66724 European chromosomes by the Exome Aggregation Consortium (ExAC). Although this variant is expected to severely impact the protein, the spectrum of disease-causing variants is not well defined for SDHAF2. In summary, the clinical significance of the p.Lys149Argfs variant is uncertain.